The following is an entry in ClinVar:

NM_002691.4(POLD1):c.2980G>A (p.Val994Met)

Gene: POLD1 (DNA polymerase delta 1, catalytic subunit; plus strand). Cytogenetic location: 19q13.33.
Variant type: single nucleotide variant.
Coding change: c.2980G>A on transcript NM_002691.4 (MANE Select); coding-DNA position 2980, G replaced by A.
Protein change: p.Val994Met; replaces valine 994 with methionine.
Molecular consequence: missense variant. On other transcripts: non-coding transcript variant (1).
Genome position (GRCh38, 1-based): chr19:50,416,636, G>A. VCF-style: chr19-50416636-G-A. GRCh37 (hg19) VCF-style: chr19-50919893-G-A.
Other names: c.2980G>A, p.Val994Met (NM_001256849.1); c.3058G>A, p.Val1020Met (NM_001308632.1); short protein forms V1020M, V994M.
Identifiers: ClinVar variation 3222728 (VCV003222728.3), dbSNP rs2039306898, ClinGen allele CA406986860.

ClinVar aggregate classification (germline): Uncertain significance. Review status: criteria provided, multiple submitters, no conflicts (2 of 4 stars). 2 submissions from 2 submitters: Uncertain significance (2). Last evaluated 2025-03-02.

Conditions:
Hereditary cancer-predisposing syndrome. Also called: Neoplastic Syndromes, Hereditary; Tumor predisposition; Hereditary Cancer Syndrome; Hereditary neoplastic syndrome. Identifiers: Orphanet 140162, MedGen C0027672, MeSH D009386, MONDO:0015356.
POLD1-related polyposis and colorectal cancer syndrome (CRCS10). Also called: Colorectal cancer 10; COLORECTAL CANCER, SUSCEPTIBILITY TO, ON CHROMOSOME 19q; Colorectal cancer, susceptibility to, 10. Identifiers: Orphanet 220460, MedGen C2675481, MONDO:0012953, OMIM 612591.

gnomAD v4.1: 1 of 1,565,946 alleles (0.000064%); highest among the groups gnomAD compares: Non-Finnish European, 0.000086%; no homozygotes.

Submissions (2):

Labcorp Genetics (formerly Invitae), Labcorp
Classification: Uncertain significance for POLD1-related polyposis and colorectal cancer syndrome. Last evaluated: 2025-03-02. Review status: criteria provided, single submitter. Criteria: Invitae Variant Classification Sherloc (09022015). Collection method: clinical testing. Allele origin: germline.
Comment: This sequence change replaces valine, which is neutral and non-polar, with methionine, which is neutral and non-polar, at codon 994 of the POLD1 protein (p.Val994Met). This variant is not present in population databases (gnomAD no frequency). This variant has not been reported in the literature in individuals affected with POLD1-related conditions. ClinVar contains an entry for this variant (Variation ID: 3222728). Invitae Evidence Modeling of protein sequence and biophysical properties (such as structural, functional, and spatial information, amino acid conservation, physicochemical variation, residue mobility, and thermodynamic stability) indicates that this missense variant is not expected to disrupt POLD1 protein function with a negative predictive value of 80%. In summary, the available evidence is currently insufficient to determine the role of this variant in disease. Therefore, it has been classified as a Variant of Uncertain Significance.

Ambry Genetics
Classification: Uncertain significance for Hereditary cancer-predisposing syndrome. Last evaluated: 2024-02-25. Review status: criteria provided, single submitter. Criteria: Ambry Variant Classification Scheme 2023. Collection method: clinical testing. Allele origin: germline.
Comment: The p.V994M variant (also known as c.2980G>A), located in coding exon 23 of the POLD1 gene, results from a G to A substitution at nucleotide position 2980. The valine at codon 994 is replaced by methionine, an amino acid with highly similar properties. This amino acid position is conserved. In addition, this alteration is predicted to be tolerated by in silico analysis. Based on the available evidence, the clinical significance of this alteration remains unclear.